The following is an entry in ClinVar:

NM_001199107.2(TBC1D24):c.944G>A (p.Gly315Asp)

Gene: TBC1D24 (TBC1 domain family member 24; plus strand). Cytogenetic location: 16p13.3.
Variant type: single nucleotide variant.
Coding change: c.944G>A on transcript NM_001199107.2 (MANE Select); coding-DNA position 944, G replaced by A.
Protein change: p.Gly315Asp; replaces glycine 315 with aspartic acid.
Molecular consequence: missense variant.
Genome position (GRCh38, 1-based): chr16:2,497,092, G>A. VCF-style: chr16-2497092-G-A. GRCh37 (hg19) VCF-style: chr16-2547093-G-A.
Other names: c.944G>A, p.Gly315Asp (NM_020705.3); short protein forms G315D.
Identifiers: ClinVar variation 3759159 (VCV003759159.2).

ClinVar aggregate classification (germline): Uncertain significance (1 of 4 stars; one submission).

Conditions:
Autosomal dominant nonsyndromic hearing loss 65. Also called: Deafness, autosomal dominant 65; TBC1D24-Related Autosomal Dominant Nonsyndromic Hearing Loss (DFNA). Identifiers: Orphanet 90635, MedGen C3892048, MONDO:0014470, OMIM 616044.
Developmental and epileptic encephalopathy, 1 (DEE1). Also called: INFANTILE SPASM SYNDROME, X-LINKED 1; X-linked infantile spasms; West's syndrome; Tonic spasms with clustering, arrest of psychomotor development and hypsarrhythmia on EEG; X-Linked Infantile Spasm Syndrome; OHTAHARA SYNDROME, X-LINKED. Identifiers: MedGen C3463992, MONDO:0010632, OMIM 308350. Disease mechanism: loss of function.

Submission:

Labcorp Genetics (formerly Invitae), Labcorp
Classification: Uncertain significance for Developmental and epileptic encephalopathy, 1; Autosomal dominant nonsyndromic hearing loss 65. Last evaluated: 2024-12-30. Review status: criteria provided, single submitter. Criteria: Invitae Variant Classification Sherloc (09022015). Collection method: clinical testing. Allele origin: germline.
Comment: This sequence change replaces glycine, which is neutral and non-polar, with aspartic acid, which is acidic and polar, at codon 315 of the TBC1D24 protein (p.Gly315Asp). This variant is not present in population databases (gnomAD no frequency). This variant has not been reported in the literature in individuals affected with TBC1D24-related conditions. Invitae Evidence Modeling of protein sequence and biophysical properties (such as structural, functional, and spatial information, amino acid conservation, physicochemical variation, residue mobility, and thermodynamic stability) has been performed for this missense variant. However, the output from this modeling did not meet the statistical confidence thresholds required to predict the impact of this variant on TBC1D24 protein function. In summary, the available evidence is currently insufficient to determine the role of this variant in disease. Therefore, it has been classified as a Variant of Uncertain Significance.